The following is an entry in ClinVar:

ClinVar aggregate classification (germline): Uncertain significance (1 of 4 stars; one submission).

Conditions:
Early-infantile DEE. Also called: Early infantile epileptic encephalopathy with suppression bursts; Early infantile epileptic encephalopathy; Ohtahara syndrome. Identifiers: Orphanet 1934, MedGen C0393706, MONDO:0800491.

gnomAD v4.1: 1 of 1,521,406 alleles (0.000066%); highest among the groups gnomAD compares: Non-Finnish European, 0.000088%; no homozygotes.

Submission:

Labcorp Genetics (formerly Invitae), Labcorp
Classification: Uncertain significance for Early-infantile DEE. Last evaluated: 2024-07-31. Review status: criteria provided, single submitter. Criteria: Invitae Variant Classification Sherloc (09022015). Collection method: clinical testing. Allele origin: germline.
Comment: This sequence change replaces aspartic acid, which is acidic and polar, with tyrosine, which is neutral and polar, at codon 735 of the KCNQ2 protein (p.Asp735Tyr). This variant is not present in population databases (gnomAD no frequency). This variant has not been reported in the literature in individuals affected with KCNQ2-related conditions. An algorithm developed to predict the effect of missense changes on protein structure and function (PolyPhen-2) suggests that this variant is likely to be disruptive. In summary, the available evidence is currently insufficient to determine the role of this variant in disease. Therefore, it has been classified as a Variant of Uncertain Significance.

NM_172107.4(KCNQ2):c.2203G>T (p.Asp735Tyr)

Gene: KCNQ2 (potassium voltage-gated channel subfamily Q member 2; minus strand). Cytogenetic location: 20q13.33.
Variant type: single nucleotide variant.
Coding change: c.2203G>T on transcript NM_172107.4 (MANE Select); coding-DNA position 2203, G replaced by T.
Protein change: p.Asp735Tyr; replaces aspartic acid 735 with tyrosine.
Molecular consequence: missense variant.
Genome position (GRCh38, 1-based): chr20:63,407,060, C>A on the plus strand (G>T on the coding strand, the complement: KCNQ2 is on the minus strand). VCF-style: chr20-63407060-C-A. GRCh37 (hg19) VCF-style: chr20-62038413-C-A.
Other names: c.2257G>T, p.Asp753Tyr (NM_001382235.1); c.2119G>T, p.Asp707Tyr (NM_004518.6); c.2149G>T, p.Asp717Tyr (NM_172106.3); c.2110G>T, p.Asp704Tyr (NM_172108.5); short protein forms D704Y, D753Y, D707Y, D717Y, D735Y.
Identifiers: ClinVar variation 2710829 (VCV002710829.3), dbSNP rs1333247951, ClinGen allele CA409638542.